The following is an entry in ClinVar:

ClinVar aggregate classification (germline): Pathogenic (0 of 4 stars; one submission).

Conditions:
Anophthalmia/microphthalmia-esophageal atresia syndrome (MCOPS3). Also called: MICROPHTHALMIA AND ESOPHAGEAL ATRESIA SYNDROME; AEG SYNDROME; SOX2 Disorder. Identifiers: Orphanet 77298, MedGen C1859773, MONDO:0008799, OMIM 206900.

Submission:

Anophthalmia/Microphthalmia Research Registry, Einstein Medical Center Philadelphia
Classification: Pathogenic for Anophthalmia/microphthalmia-esophageal atresia syndrome. Review status: no assertion criteria provided. Collection method: clinical testing. Allele origin: germline. Inheritance: Autosomal dominant inheritance. Affected: yes. Observed: 1 variant allele.

NM_003106.4(SOX2):c.828del (p.Met276fs)

Genes: SOX2 (SRY-box transcription factor 2; plus strand), SOX2-OT (SOX2 overlapping transcript; plus strand). Cytogenetic location: 3q26.33.
Variant type: Deletion.
Coding change: c.828del on transcript NM_003106.4 (MANE Select); coding-DNA position 828, one base deleted (G; older notation c.828delG).
Protein change: p.Met276fs; shifts the reading frame from methionine 276.
Molecular consequence: frameshift variant.
Genome position (GRCh38, 1-based): chr3:181,713,188, G deleted. VCF-style (leftmost placement, unchanged base first): chr3-181713187-TG-T. GRCh37 (hg19) VCF-style: chr3-181430975-TG-T.
Other names: short protein forms M276fs.
Identifiers: ClinVar variation 986766 (VCV000986766.1), dbSNP rs1714875635, ClinGen allele CA1139658376.